The following is an entry in ClinVar:

ClinVar aggregate classification (germline): Uncertain significance. Review status: criteria provided, multiple submitters, no conflicts (2 of 4 stars). 2 submissions from 2 submitters: Uncertain significance (2). Last evaluated 2025-11-25.

Conditions:
Autosomal recessive limb-girdle muscular dystrophy type 2C (LGMDR5). Also called: MUSCULAR DYSTROPHY, DUCHENNE-LIKE; MUSCULAR DYSTROPHY, LIMB-GIRDLE, AUTOSOMAL RECESSIVE 5. Identifiers: Orphanet 353, MedGen C0410173, MONDO:0009677, OMIM 253700. Disease mechanism: Affects gamma-sarcoglycan and also disrupts the integrity of the entire sarcoglycan complex..

gnomAD v4.1: 2 of 1,580,532 alleles (0.00013%); highest among the groups gnomAD compares: Admixed American, 0.0017%; no homozygotes.

Submissions (2):

Myriad Genetics, Inc.
Classification: Uncertain significance for Autosomal recessive limb-girdle muscular dystrophy type 2C. Last evaluated: 2025-11-25. Review status: criteria provided, single submitter. Criteria: Myriad Autosomal Dominant, Autosomal Recessive and X-Linked Classification Criteria (2023). Collection method: clinical testing. Allele origin: unknown.
Comment: NM_000231.2(SGCG):c.385G>C(G129R) is a missense variant classified as a variant of uncertain significance in the context of gamma-sarcoglycanopathy. G129R has not been observed in cases with relevant disease. Relevant functional assessments of this variant are not available in the literature. G129R has not been observed in referenced population frequency databases. In summary, there is insufficient evidence to classify NM_000231.2(SGCG):c.385G>C(G129R) as pathogenic or benign. Please note: this variant was assessed in the context of healthy population screening.

Revvity Omics, Revvity
Classification: Uncertain significance for Autosomal recessive limb-girdle muscular dystrophy type 2C. Last evaluated: 2022-03-03. Review status: criteria provided, single submitter. Criteria: ACMG Guidelines, 2015. Collection method: clinical testing. Allele origin: germline.

NM_000231.3(SGCG):c.385G>C (p.Gly129Arg)

Gene: SGCG (sarcoglycan gamma; plus strand). Cytogenetic location: 13q12.12.
Variant type: single nucleotide variant.
Coding change: c.385G>C on transcript NM_000231.3 (MANE Select); coding-DNA position 385, G replaced by C.
Protein change: p.Gly129Arg; replaces glycine 129 with arginine.
Molecular consequence: missense variant.
Genome position (GRCh38, 1-based): chr13:23,250,717, G>C. VCF-style: chr13-23250717-G-C. GRCh37 (hg19) VCF-style: chr13-23824856-G-C.
Other names: c.439G>C, p.Gly147Arg (NM_001378244.1); c.385G>C, p.Gly129Arg (NM_001378245.1, NM_001378246.1); short protein forms G129R, G147R.
Identifiers: ClinVar variation 2435912 (VCV002435912.4), dbSNP rs747046381, ClinGen allele CA246628718.